The following is an entry in ClinVar:

ClinVar aggregate classification (germline): Uncertain significance (1 of 4 stars; one submission).

Submission:

Labcorp Genetics (formerly Invitae), Labcorp
Classification: Uncertain significance. Last evaluated: 2022-02-05. Review status: criteria provided, single submitter. Criteria: Invitae Variant Classification Sherloc (09022015). Collection method: clinical testing. Allele origin: germline.
Comment: In summary, the available evidence is currently insufficient to determine the role of this variant in disease. Therefore, it has been classified as a Variant of Uncertain Significance. Algorithms developed to predict the effect of missense changes on protein structure and function (SIFT, PolyPhen-2, Align-GVGD) all suggest that this variant is likely to be tolerated. This variant has not been reported in the literature in individuals affected with HMOX1-related conditions. This variant is not present in population databases (gnomAD no frequency). This sequence change replaces lysine, which is basic and polar, with threonine, which is neutral and polar, at codon 177 of the HMOX1 protein (p.Lys177Thr).

NM_002133.3(HMOX1):c.530A>C (p.Lys177Thr)

Gene: HMOX1 (heme oxygenase 1; plus strand). Cytogenetic location: 22q12.3.
Variant type: single nucleotide variant.
Coding change: c.530A>C on transcript NM_002133.3 (MANE Select); coding-DNA position 530, A replaced by C.
Protein change: p.Lys177Thr; replaces lysine 177 with threonine.
Molecular consequence: missense variant.
Genome position (GRCh38, 1-based): chr22:35,387,070, A>C. VCF-style: chr22-35387070-A-C. GRCh37 (hg19) VCF-style: chr22-35783063-A-C.
Other names: short protein forms K177T.
Identifiers: ClinVar variation 2093369 (VCV002093369.4), dbSNP rs2517864467, ClinGen allele CA411352957.